The following is an entry in ClinVar:

ClinVar aggregate classification (germline): Uncertain significance (1 of 4 stars; one submission).

Allele frequency attached by ClinVar (database versions not stated): gnomAD exomes below 0.00001; gnomAD 0.00001.
gnomAD v4.1: 2 of 1,613,982 alleles (0.00012%); highest among the groups gnomAD compares: Non-Finnish European, 0.00017%; no homozygotes.

Submission:

Labcorp Genetics (formerly Invitae), Labcorp
Classification: Uncertain significance. Last evaluated: 2022-03-10. Review status: criteria provided, single submitter. Criteria: Invitae Variant Classification Sherloc (09022015). Collection method: clinical testing. Allele origin: germline.
Comment: In summary, the available evidence is currently insufficient to determine the role of this variant in disease. Therefore, it has been classified as a Variant of Uncertain Significance. Algorithms developed to predict the effect of missense changes on protein structure and function are either unavailable or do not agree on the potential impact of this missense change (SIFT: "Deleterious"; PolyPhen-2: "Probably Damaging"; Align-GVGD: "Class C0"). This variant has not been reported in the literature in individuals affected with VCAN-related conditions. This variant is not present in population databases (gnomAD no frequency). This sequence change replaces glycine, which is neutral and non-polar, with alanine, which is neutral and non-polar, at codon 3309 of the VCAN protein (p.Gly3309Ala).

NM_004385.5(VCAN):c.9926G>C (p.Gly3309Ala)

Gene: VCAN (versican; plus strand). Cytogenetic location: 5q14.3.
Variant type: single nucleotide variant.
Coding change: c.9926G>C on transcript NM_004385.5 (MANE Select); coding-DNA position 9926, G replaced by C.
Protein change: p.Gly3309Ala; replaces glycine 3309 with alanine.
Molecular consequence: missense variant.
Genome position (GRCh38, 1-based): chr5:83,580,025, G>C. VCF-style: chr5-83580025-G-C. GRCh37 (hg19) VCF-style: chr5-82875844-G-C.
Other names: c.1703G>C, p.Gly568Ala (NM_001126336.3); c.6965G>C, p.Gly2322Ala (NM_001164097.2); c.4664G>C, p.Gly1555Ala (NM_001164098.2); short protein forms G3309A, G1555A, G2322A, G568A.
Identifiers: ClinVar variation 1497170 (VCV001497170.8), dbSNP rs1319680589, ClinGen allele CA360300759.